The following is an entry in ClinVar:

NM_014967.5(FAN1):c.2566C>G (p.Pro856Ala)

Genes: MTMR10 (myotubularin related protein 10; minus strand), FAN1 (FANCD2 and FANCI associated nuclease 1; plus strand). Cytogenetic location: 15q13.3.
Variant type: single nucleotide variant.
Coding change: c.2566C>G on transcript NM_014967.5 (MANE Select); coding-DNA position 2566, C replaced by G.
Protein change: p.Pro856Ala; replaces proline 856 with alanine.
Molecular consequence: missense variant.
Genome position (GRCh38, 1-based): chr15:30,928,630, C>G. VCF-style: chr15-30928630-C-G. GRCh37 (hg19) VCF-style: chr15-31220833-C-G.
Other names: short protein forms P856A.
Identifiers: ClinVar variation 2192143 (VCV002192143.4), dbSNP rs774771247, ClinGen allele CA7450686.

ClinVar aggregate classification (germline): Uncertain significance (1 of 4 stars; one submission).

Allele frequency attached by ClinVar (database versions not stated): ExAC 0.00002; gnomAD 0.00002; gnomAD exomes 0.00003; TOPMed 0.00006.
gnomAD v4.1: 48 of 1,613,606 alleles (0.003%); highest among the groups gnomAD compares: Middle Eastern, 0.016%; no homozygotes.

Submission:

Labcorp Genetics (formerly Invitae), Labcorp
Classification: Uncertain significance. Last evaluated: 2025-10-27. Review status: criteria provided, single submitter. Criteria: Invitae Variant Classification Sherloc (09022015). Collection method: clinical testing. Allele origin: germline.
Comment: This sequence change replaces proline, which is neutral and non-polar, with alanine, which is neutral and non-polar, at codon 856 of the FAN1 protein (p.Pro856Ala). This variant is present in population databases (rs774771247, gnomAD 0.06%). This variant has not been reported in the literature in individuals affected with FAN1-related conditions. ClinVar contains an entry for this variant (Variation ID: 2192143). An algorithm developed to predict the effect of missense changes on protein structure and function outputs the following: PolyPhen-2: "Benign". The alanine amino acid residue is found in multiple mammalian species, which suggests that this missense change does not adversely affect protein function. In summary, the available evidence is currently insufficient to determine the role of this variant in disease. Therefore, it has been classified as a Variant of Uncertain Significance.